The following is an entry in ClinVar:

ClinVar aggregate classification (germline): Uncertain significance (1 of 4 stars; one submission).

gnomAD v4.1: 10 of 1,613,640 alleles (0.00062%); highest among the groups gnomAD compares: Non-Finnish European, 0.00017%; no homozygotes.

Submission:

Ambry Genetics
Classification: Uncertain significance. Last evaluated: 2026-01-21. Review status: criteria provided, single submitter. Criteria: Ambry Variant Classification Scheme 2023. Collection method: clinical testing. Allele origin: germline.
Comment: The p.R27L variant (also known as c.80G>T), located in coding exon 2 of the RPS20 gene, results from a G to T substitution at nucleotide position 80. The arginine at codon 27 is replaced by leucine, an amino acid with dissimilar properties. This amino acid position is highly conserved in available vertebrate species. In addition, this alteration is predicted to be deleterious by in silico analysis. Based on the available evidence, the clinical significance of this variant remains unclear.

NM_001023.4(RPS20):c.80G>T (p.Arg27Leu)

Gene: RPS20 (ribosomal protein S20; minus strand). Cytogenetic location: 8q12.1.
Variant type: single nucleotide variant.
Coding change: c.80G>T on transcript NM_001023.4 (MANE Select); coding-DNA position 80, G replaced by T.
Protein change: p.Arg27Leu; replaces arginine 27 with leucine.
Molecular consequence: missense variant.
Genome position (GRCh38, 1-based): chr8:56,074,083, C>A on the plus strand (G>T on the coding strand, the complement: RPS20 is on the minus strand). VCF-style: chr8-56074083-C-A. GRCh37 (hg19) VCF-style: chr8-56986642-C-A.
Other names: c.80G>T, p.Arg27Leu (NM_001146227.3); short protein forms R27L.
Identifiers: ClinVar variation 4841877 (VCV004841877.1).